The following is an entry in ClinVar:

ClinVar aggregate classification (germline): Uncertain significance (1 of 4 stars; one submission).

Submission:

GeneDx
Classification: Uncertain significance. Last evaluated: 2024-03-21. Review status: criteria provided, single submitter. Criteria: GeneDx Variant Classification Process June 2021. Collection method: clinical testing. Allele origin: germline. Affected: yes.
Comment: Not observed at significant frequency in large population cohorts (gnomAD); Nonsense variant predicted to result in protein truncation or nonsense mediated decay in a gene or region of a gene for which loss of function is not a well-established mechanism of disease; Has not been previously published as pathogenic or benign to our knowledge

NM_002539.3(ODC1):c.1067G>A (p.Trp356Ter)

Gene: ODC1 (ornithine decarboxylase 1; minus strand). Cytogenetic location: 2p25.1.
Variant type: single nucleotide variant.
Coding change: c.1067G>A on transcript NM_002539.3 (MANE Select); coding-DNA position 1067, G replaced by A.
Protein change: p.Trp356Ter; replaces tryptophan 356 with a stop codon.
Molecular consequence: nonsense.
Genome position (GRCh38, 1-based): chr2:10,441,683, C>T on the plus strand (G>A on the coding strand, the complement: ODC1 is on the minus strand). VCF-style: chr2-10441683-C-T. GRCh37 (hg19) VCF-style: chr2-10581809-C-T.
Other names: c.680G>A, p.Trp227Ter (NM_001287188.2); c.1067G>A, p.Trp356Ter (NM_001287189.2, NM_001287190.2); short protein forms W227*, W356*.
Identifiers: ClinVar variation 3370758 (VCV003370758.1).